The following is an entry in ClinVar:

ClinVar aggregate classification (germline): Uncertain significance. Review status: criteria provided, multiple submitters, no conflicts (2 of 4 stars). 2 submissions from 2 submitters: Uncertain significance (2). Last evaluated 2026-07-13.

Conditions:
Long QT syndrome (LQTS). Identifiers: MedGen C0023976, MeSH D008133, MONDO:0002442. Disease mechanism: loss of function. Inheritance: Various modes of inheritance.
Cardiovascular phenotype. Identifiers: MedGen CN230736.

Allele frequency attached by ClinVar (database versions not stated): gnomAD exomes below 0.00001; gnomAD 0.00001; TOPMed 0.00001.
gnomAD v4.1: 3 of 1,575,984 alleles (0.00019%); highest among the groups gnomAD compares: African/African-American, 0.0041%; no homozygotes.

Submissions (2):

Ambry Genetics
Classification: Uncertain significance for Cardiovascular phenotype. Last evaluated: 2026-07-13. Review status: criteria provided, single submitter. Criteria: Ambry Variant Classification Scheme 2023. Collection method: clinical testing. Allele origin: germline.
Comment: The c.6946-3T>C intronic variant results from a T to C substitution 3 nucleotides upstream from coding exon 31 in the AKAP9 gene. This nucleotide position is not well conserved in available vertebrate species. In silico splice site analysis predicts that this alteration will not have any significant effect on splicing. The evidence for this gene-disease relationship is limited; therefore, the clinical significance of this variant is unclear.

Labcorp Genetics (formerly Invitae), Labcorp
Classification: Uncertain significance for Long QT syndrome. Last evaluated: 2025-12-19. Review status: criteria provided, single submitter. Criteria: Invitae Variant Classification Sherloc (09022015). Collection method: clinical testing. Allele origin: germline.
Comment: This sequence change falls in intron 30 of the AKAP9 gene. It does not directly change the encoded amino acid sequence of the AKAP9 protein. It affects a nucleotide within the consensus splice site. This variant is not present in population databases (gnomAD no frequency). This variant has not been reported in the literature in individuals affected with AKAP9-related conditions. ClinVar contains an entry for this variant (Variation ID: 1756272). Variants that disrupt the consensus splice site are a relatively common cause of aberrant splicing (PMID: 17576681, 9536098). Algorithms developed to predict the effect of sequence changes on RNA splicing suggest that this variant is not likely to affect RNA splicing. In summary, the available evidence is currently insufficient to determine the role of this variant in disease. Therefore, it has been classified as a Variant of Uncertain Significance.

Literature cited by the submitters: PubMed 17576681 (cited by Labcorp Genetics (formerly Invitae), Labcorp); PubMed 9536098 (cited by Labcorp Genetics (formerly Invitae), Labcorp).

NM_005751.5(AKAP9):c.6946-3T>C

Gene: AKAP9 (A-kinase anchoring protein 9; plus strand). Cytogenetic location: 7q21.2.
Variant type: single nucleotide variant.
Coding change: c.6946-3T>C on transcript NM_005751.5 (MANE Select); 3 bases into the intron before coding-DNA position 6946, T replaced by C.
Molecular consequence: intron variant.
Genome position (GRCh38, 1-based): chr7:92,079,076, T>C. VCF-style: chr7-92079076-T-C. GRCh37 (hg19) VCF-style: chr7-91708390-T-C.
Other names: c.6922-3T>C (NM_147185.3); c.1591-3T>C (NM_001379277.1).
Identifiers: ClinVar variation 1756272 (VCV001756272.4), dbSNP rs1196784193, ClinGen allele CA843814156.
Genomic context (GRCh38, chr7:92,079,076, plus strand): 5'-GTAAAATTTTCAAAATGTAAATACATATATATTATGTATGTTACCTTTTTCATTAATTAT[T>C]AGGTTATTGAAGAAAAAAATGAACTGATAAGGGATCTTGAAACCCAAATAGAATGTTTGA-3'